The following is an entry in ClinVar:

NM_001367721.1(CASK):c.512dup (p.Ser172fs)

Gene: CASK (calcium/calmodulin dependent serine protein kinase; minus strand). Cytogenetic location: Xp11.4.
Variant type: Duplication.
Coding change: c.512dup on transcript NM_001367721.1 (MANE Select); coding-DNA position 512, one base duplicated (A; older notation c.512dupA).
Protein change: p.Ser172fs; shifts the reading frame from serine 172.
Molecular consequence: frameshift variant.
Genome position (GRCh38, 1-based): chrX:41,671,448, T duplicated on the plus strand (A on the coding strand, the reverse complement: CASK is on the minus strand). VCF-style (leftmost placement, unchanged base first): chrX-41671447-C-CT. GRCh37 (hg19) VCF-style: chrX-41530700-C-CT.
Other names: c.512dup, p.Ser172fs (NM_001126054.3, NM_001126055.3, NM_001410745.1 and 1 more transcripts); short protein forms S172fs.
Identifiers: ClinVar variation 4755391 (VCV004755391.1).

ClinVar aggregate classification (germline): Likely pathogenic (1 of 4 stars; one submission).

Conditions:
Syndromic X-linked intellectual disability Najm type (MICPCH). Also called: MICPCH SYNDROME; Intellectual developmental disorder and microcephaly with pontine and cerebellar hypoplasia; Intellectual Disability and Microcephaly with Pontine and Cerebellar Hypoplasia; Mental retardation and microcephaly with pontine and cerebellar hypoplasia; MENTAL RETARDATION, X-LINKED, SYNDROMIC, NAJM TYPE; Intellectual Disability and Microcephaly with Pontine and Cerebellar Hypoplasia (MICPCH). Identifiers: Orphanet 163937, MedGen C2677903, MONDO:0010417, OMIM 300749.

Submission:

Ozbek Human Genetics Laboratory, Izmir Biomedicine and Genome Center
Classification: Likely pathogenic for Syndromic X-linked intellectual disability Najm type. Last evaluated: 2025-08-01. Review status: criteria provided, single submitter. Criteria: ACMG Guidelines, 2015. Collection method: research. Allele origin: de novo. Inheritance: X-linked inheritance. Affected: yes. Observed: 1 hemizygote.
Comment: Examination revealed distal arthrogryposis, camptodactyly, bilateral clubfoot, micrognathia, low-set ears, bilateral glaucoma, and retinal detachment, absent microcephaly. Neurological findings included tactile startle reflexes and convulsions, while MRI confirmed Chiari Type 4 malformation with primary cerebellar agenesis. Following normal cytogenetic results, WES identified a novel, de novo hemizygous CASK frameshift variant (c.512dup; p.Ser172Valfs*57), classified as likely pathogenic. Data obtained via the RAREBOOST project (Horizon 2020 ERA Chairs at Izmir Biomedicine and Genome Center - IBG)